The following is an entry in ClinVar:

ClinVar aggregate classification (germline): Uncertain significance (1 of 4 stars; one submission).

Conditions:
Malignant hyperthermia, susceptibility to, 1 (MHS1). Also called: Anesthesia related hyperthermia; Malignant hyperpyrexia; Fulminating hyperpyrexia; Pharmacogenic myopathy; Malignant hyperthermia suceptibility 1; RYR1-Related Malignant Hyperthermia Susceptibility. Identifiers: Orphanet 423, MedGen C2930980, MONDO:0007783, OMIM 145600.

Submission:

All of Us Research Program, National Institutes of Health
Classification: Uncertain significance for Malignant hyperthermia, susceptibility to, 1. Last evaluated: 2024-06-09. Review status: criteria provided, single submitter. Criteria: ACMG Guidelines, 2015. Collection method: clinical testing. Allele origin: germline. Inheritance: Autosomal dominant inheritance. Observed: 1 variant allele, 1 heterozygote.
Comment: This variant deletes 1 nucleotide in exon 78/106 of the RYR1 gene, creating a frameshift and premature translation stop signal. This variant is expected to result in an absent or non-functional protein product. To our knowledge, this variant has not been reported in individuals affected with RYR1-related disorders in the literature. This variant has not been identified in the general population by the Genome Aggregation Database (gnomAD). Loss of RYR1 function due to truncation variants is not an established disease mechanism for autosomal dominant malignant hyperthermia, although it is associated with other phenotype(s). Due to insufficient evidence, this variant is classified as a Variant of Uncertain Significance for autosomal dominant malignant hyperthermia.

This study involves interpretation of variants in research participants for the purpose of population health screening. Participant phenotype was not available at the time of variant classification. Additional details can be found in publication PMID: 35346344, PMCID: PMC8962531

NM_000540.3(RYR1):c.11230del (p.Ala3744fs)

Gene: RYR1 (ryanodine receptor 1; plus strand). Cytogenetic location: 19q13.2.
Variant type: Deletion.
Coding change: c.11230del on transcript NM_000540.3 (MANE Select); coding-DNA position 11230, one base deleted (G; older notation c.11230delG).
Protein change: p.Ala3744fs; shifts the reading frame from alanine 3744.
Molecular consequence: frameshift variant.
Genome position (GRCh38, 1-based): chr19:38,532,707, G deleted. VCF-style (leftmost placement, unchanged base first): chr19-38532706-AG-A. GRCh37 (hg19) VCF-style: chr19-39023346-AG-A.
Other names: c.11215del, p.Ala3739fs (NM_001042723.2); short protein forms A3739fs, A3744fs.
Identifiers: ClinVar variation 3385552 (VCV003385552.1).